The following is an entry in ClinVar:

NM_001377229.1(DISP1):c.414G>A (p.Thr138=)

Gene: DISP1 (dispatched RND transporter family member 1; plus strand). Cytogenetic location: 1q41.
Variant type: single nucleotide variant.
Coding change: c.414G>A on transcript NM_001377229.1 (MANE Select); coding-DNA position 414, G replaced by A.
Protein change: p.Thr138=; no amino-acid change (threonine 138 retained).
Molecular consequence: synonymous variant. On other transcripts: 5 prime UTR variant (1).
Genome position (GRCh38, 1-based): chr1:222,943,237, G>A. VCF-style: chr1-222943237-G-A. GRCh37 (hg19) VCF-style: chr1-223116579-G-A.
Other names: c.-474G>A (NM_001350630.2); c.414G>A, p.Thr138= (NM_001369594.1, NM_001377228.1, NM_032890.5).
Identifiers: ClinVar variation 774805 (VCV000774805.41), dbSNP rs143316612, ClinGen allele CA1408793.

ClinVar aggregate classification (germline): Benign/Likely benign. Review status: criteria provided, multiple submitters, no conflicts (2 of 4 stars). 5 submissions from 5 submitters: Benign (3); Likely benign (2). Last evaluated 2026-09-01.

Allele frequency attached by ClinVar (database versions not stated): 1000 Genomes Project 0.00100; 1000 Genomes Project 30x 0.00141; gnomAD 0.00186 and 0.00196; gnomAD exomes 0.00192; ExAC 0.00196; TOPMed 0.00197; ESP Exome Variant Server 0.00200.
gnomAD v4.1: 3,888 of 1,613,160 alleles (0.24%); highest among the groups gnomAD compares: Middle Eastern, 0.3%; 6 homozygotes.

Submissions (5):

CeGaT Center for Human Genetics Tuebingen
Classification: Likely benign. Last evaluated: 2026-09-01. Review status: criteria provided, single submitter. Criteria: CeGaT Center For Human Genetics Tuebingen Variant Classification Criteria Version 2. Collection method: clinical testing. Allele origin: germline. Affected: yes. Observed: 2 variant alleles.
Comment: DISP1: BP4, BP7

Labcorp Genetics (formerly Invitae), Labcorp
Classification: Benign. Last evaluated: 2026-01-26. Review status: criteria provided, single submitter. Criteria: Invitae Variant Classification Sherloc (09022015). Collection method: clinical testing. Allele origin: germline.

Blueprint Genetics
Classification: Likely benign. Last evaluated: 2024-11-22. Review status: criteria provided, single submitter. Criteria: ACMG Guidelines, 2015. Collection method: clinical testing. Allele origin: germline.

ARUP Laboratories, Molecular Genetics and Genomics, ARUP Laboratories
Classification: Benign. Last evaluated: 2019-05-10. Review status: criteria provided, single submitter. Criteria: ARUP Molecular Germline Variant Investigation Process. Collection method: clinical testing. Allele origin: germline.

Breakthrough Genomics
Classification: Benign. Review status: criteria provided, single submitter. Criteria: ACMG Guidelines, 2015. Collection method: not provided. Allele origin: germline. Inheritance: Unknown mechanism. Affected: yes.